The following is an entry in ClinVar:

NM_013314.4(BLNK):c.292C>G (p.Pro98Ala)

Gene: BLNK (B cell linker; minus strand). Cytogenetic location: 10q24.1.
Variant type: single nucleotide variant.
Coding change: c.292C>G on transcript NM_013314.4 (MANE Select); coding-DNA position 292, C replaced by G.
Protein change: p.Pro98Ala; replaces proline 98 with alanine.
Molecular consequence: missense variant. On other transcripts: non-coding transcript variant (4).
Genome position (GRCh38, 1-based): chr10:96,227,479, G>C on the plus strand (C>G on the coding strand, the complement: BLNK is on the minus strand). VCF-style: chr10-96227479-G-C. GRCh37 (hg19) VCF-style: chr10-97987235-G-C.
Other names: c.292C>G, p.Pro98Ala (NM_001114094.2, NM_001258440.2, NM_001258441.2 and 1 more transcripts); short protein forms P98A.
Identifiers: ClinVar variation 2096210 (VCV002096210.4), dbSNP rs782785796, ClinGen allele CA5623514.

ClinVar aggregate classification (germline): Uncertain significance (1 of 4 stars; one submission).

Conditions:
Agammaglobulinemia 4, autosomal recessive (AGM4). Also called: AGAMMAGLOBULINEMIA, AUTOSOMAL RECESSIVE, DUE TO BLNK DEFECT; B cell linker protein deficiency. Identifiers: MedGen C3150752, MONDO:0013289, OMIM 613502.

Allele frequency attached by ClinVar (database versions not stated): gnomAD exomes below 0.00001; ExAC 0.00001.

Submission:

Labcorp Genetics (formerly Invitae), Labcorp
Classification: Uncertain significance for Agammaglobulinemia 4, autosomal recessive. Last evaluated: 2022-02-10. Review status: criteria provided, single submitter. Criteria: Invitae Variant Classification Sherloc (09022015). Collection method: clinical testing. Allele origin: germline.
Comment: In summary, the available evidence is currently insufficient to determine the role of this variant in disease. Therefore, it has been classified as a Variant of Uncertain Significance. Algorithms developed to predict the effect of missense changes on protein structure and function (SIFT, PolyPhen-2, Align-GVGD) all suggest that this variant is likely to be disruptive. This variant has not been reported in the literature in individuals affected with BLNK-related conditions. This variant is present in population databases (rs782785796, gnomAD 0.003%). This sequence change replaces proline, which is neutral and non-polar, with alanine, which is neutral and non-polar, at codon 98 of the BLNK protein (p.Pro98Ala).